The following is an entry in ClinVar:

ClinVar aggregate classification (germline): Uncertain significance (1 of 4 stars; one submission).

Conditions:
Paget disease of bone 2, early-onset (PDB2). Also called: Paget disease of bone 2. Identifiers: MedGen C4085251, MONDO:0011183, OMIM 602080.
Frontotemporal dementia and/or amyotrophic lateral sclerosis 1 (FTDALS1). Also called: C9orf72 Frontotemporal Dementia and/or Amyotrophic Lateral Sclerosis; Frontotemporal dementia with motor neuron disease 1. Identifiers: Orphanet 275872, MedGen C5779877, MONDO:0007105, OMIM 105550.

Allele frequency attached by ClinVar (database versions not stated): TOPMed below 0.00001; gnomAD 0.00001; gnomAD exomes 0.00001.
gnomAD v4.1: 4 of 1,613,884 alleles (0.00025%); highest among the groups gnomAD compares: African/African-American, 0.004%; no homozygotes.

Submission:

Labcorp Genetics (formerly Invitae), Labcorp
Classification: Uncertain significance for Paget disease of bone 2, early-onset; Frontotemporal dementia and/or amyotrophic lateral sclerosis 1. Last evaluated: 2022-04-10. Review status: criteria provided, single submitter. Criteria: Invitae Variant Classification Sherloc (09022015). Collection method: clinical testing. Allele origin: germline.
Comment: In summary, the available evidence is currently insufficient to determine the role of this variant in disease. Therefore, it has been classified as a Variant of Uncertain Significance. Algorithms developed to predict the effect of missense changes on protein structure and function are either unavailable or do not agree on the potential impact of this missense change (SIFT: "Deleterious"; PolyPhen-2: "Probably Damaging"; Align-GVGD: "Class C15"). This variant has not been reported in the literature in individuals affected with SQSTM1-related conditions. This variant is present in population databases (no rsID available, gnomAD 0.01%). This sequence change replaces glycine, which is neutral and non-polar, with valine, which is neutral and non-polar, at codon 130 of the SQSTM1 protein (p.Gly130Val).

NM_003900.5(SQSTM1):c.389G>T (p.Gly130Val)

Gene: SQSTM1 (sequestosome 1; plus strand). Cytogenetic location: 5q35.3.
Variant type: single nucleotide variant.
Coding change: c.389G>T on transcript NM_003900.5 (MANE Select); coding-DNA position 389, G replaced by T.
Protein change: p.Gly130Val; replaces glycine 130 with valine.
Molecular consequence: missense variant.
Genome position (GRCh38, 1-based): chr5:179,823,945, G>T. VCF-style: chr5-179823945-G-T. GRCh37 (hg19) VCF-style: chr5-179250945-G-T.
Other names: c.137G>T, p.Gly46Val (NM_001142298.2, NM_001142299.2); short protein forms G46V, G130V.
Identifiers: ClinVar variation 2124150 (VCV002124150.4), dbSNP rs1483449583, ClinGen allele CA362443647.